The following is an entry in ClinVar:

NM_001368882.1(COL13A1):c.1634G>T (p.Ser545Ile)

Gene: COL13A1 (collagen type XIII alpha 1 chain; plus strand). Cytogenetic location: 10q22.1.
Variant type: single nucleotide variant.
Coding change: c.1634G>T on transcript NM_001368882.1 (MANE Select); coding-DNA position 1634, G replaced by T.
Protein change: p.Ser545Ile; replaces serine 545 with isoleucine.
Molecular consequence: missense variant.
Genome position (GRCh38, 1-based): chr10:69,930,503, G>T. VCF-style: chr10-69930503-G-T. GRCh37 (hg19) VCF-style: chr10-71690259-G-T.
Other names: c.1601G>T (NM_001130103.1); c.1601G>T, p.Ser534Ile (NM_001130103.2); c.1571G>T, p.Ser524Ile (NM_001320951.2, NM_001368884.1); c.1598G>T, p.Ser533Ile (NM_001368883.1); c.1535G>T, p.Ser512Ile (NM_001368885.1, NM_080801.4, NM_080802.4); c.971G>T, p.Ser324Ile (NM_001368886.1); c.1544G>T, p.Ser515Ile (NM_001368895.1, NM_080800.4); c.1430G>T, p.Ser477Ile (NM_001368896.1, NM_001368898.1, NM_080798.4); and 2 more; short protein forms S534I, S515I, S477I, S486I, S533I, S324I, S512I, S483I.
Identifiers: ClinVar variation 623738 (VCV000623738.47), dbSNP rs150441444, ClinGen allele CA5534851.

ClinVar aggregate classification (germline): Uncertain significance. Review status: criteria provided, multiple submitters, no conflicts (2 of 4 stars). 3 submissions from 3 submitters: Uncertain significance (3). Last evaluated 2025-08-01.

Conditions:
Inborn genetic diseases. Identifiers: MedGen C0950123, MeSH D030342.

Allele frequency attached by ClinVar (database versions not stated): 1000 Genomes Project 30x 0.00031; 1000 Genomes Project 0.00040; gnomAD exomes 0.00041; ExAC 0.00043; gnomAD 0.00050 and 0.00053; TOPMed 0.00050; ESP Exome Variant Server 0.00073.
gnomAD v4.1: 985 of 1,613,918 alleles (0.061%); highest among the groups gnomAD compares: Non-Finnish European, 0.077%; 1 homozygote.

Submissions (3):

Ambry Genetics
Classification: Uncertain significance for Inborn genetic diseases. Last evaluated: 2025-08-01. Review status: criteria provided, single submitter. Criteria: Ambry Variant Classification Scheme 2023. Collection method: clinical testing. Allele origin: germline.

Labcorp Genetics (formerly Invitae), Labcorp
Classification: Uncertain significance. Last evaluated: 2024-01-08. Review status: criteria provided, single submitter. Criteria: Invitae Variant Classification Sherloc (09022015). Collection method: clinical testing. Allele origin: germline.
Comment: This sequence change replaces serine, which is neutral and polar, with isoleucine, which is neutral and non-polar, at codon 534 of the COL13A1 protein (p.Ser534Ile). This variant is present in population databases (rs150441444, gnomAD 0.08%), and has an allele count higher than expected for a pathogenic variant. This variant has not been reported in the literature in individuals affected with COL13A1-related conditions. ClinVar contains an entry for this variant (Variation ID: 623738). An algorithm developed to predict the effect of missense changes on protein structure and function (PolyPhen-2) suggests that this variant is likely to be disruptive. In summary, the available evidence is currently insufficient to determine the role of this variant in disease. Therefore, it has been classified as a Variant of Uncertain Significance.

CeGaT Center for Human Genetics Tuebingen
Classification: Uncertain significance. Last evaluated: 2018-08-01. Review status: criteria provided, single submitter. Criteria: CeGaT Center For Human Genetics Tuebingen Variant Classification Criteria Version 2. Collection method: clinical testing. Allele origin: germline. Affected: yes. Observed: 3 variant alleles.